The following is an entry in ClinVar:

ClinVar aggregate classification (germline): Uncertain significance (0 of 4 stars; one submission).

Conditions:
KMT2C-related disorder. Also called: KMT2C-related condition; KMT2C-related disorders.

Submission:

PreventionGenetics, part of Exact Sciences
Classification: Uncertain significance for KMT2C-related condition. Last evaluated: 2024-01-22. Review status: no assertion criteria provided. Collection method: clinical testing. Allele origin: germline.
Comment: The KMT2C c.12091C>G variant is predicted to result in the amino acid substitution p.Pro4031Ala. To our knowledge, this variant has not been reported in the literature or in a large population database, indicating this variant is rare. At this time, the clinical significance of this variant is uncertain due to the absence of conclusive functional and genetic evidence.

NM_170606.3(KMT2C):c.12091C>G (p.Pro4031Ala)

Gene: KMT2C (lysine methyltransferase 2C; minus strand). Cytogenetic location: 7q36.1.
Variant type: single nucleotide variant.
Coding change: c.12091C>G on transcript NM_170606.3 (MANE Select); coding-DNA position 12091, C replaced by G.
Protein change: p.Pro4031Ala; replaces proline 4031 with alanine.
Molecular consequence: missense variant.
Genome position (GRCh38, 1-based): chr7:152,154,315, G>C on the plus strand (C>G on the coding strand, the complement: KMT2C is on the minus strand). VCF-style: chr7-152154315-G-C. GRCh37 (hg19) VCF-style: chr7-151851400-G-C.
Other names: short protein forms P4031A.
Identifiers: ClinVar variation 3348216 (VCV003348216.1).